The following is an entry in ClinVar:

NM_001348323.3(TRIP12):c.1270+52G>T

Gene: TRIP12 (thyroid hormone receptor interactor 12; minus strand). Cytogenetic location: 2q36.3.
Variant type: single nucleotide variant.
Coding change: c.1270+52G>T on transcript NM_001348323.3 (MANE Select); 52 bases into the intron after coding-DNA position 1270, G replaced by T.
Molecular consequence: intron variant. On other transcripts: stop lost (3).
Genome position (GRCh38, 1-based): chr2:229,836,796, C>A on the plus strand (G>T on the coding strand, the complement: TRIP12 is on the minus strand). VCF-style: chr2-229836796-C-A. GRCh37 (hg19) VCF-style: chr2-230701512-C-A.
Other names: c.1235G>T, p.Ter412Leu (NM_001348334.1); c.1322G>T, p.Ter441Leu (NM_001348335.2, NM_001348336.1); c.235+52G>T (NM_001284216.2); c.1144+52G>T (NM_004238.3, NM_001348331.1, NM_001348317.1 and 3 more transcripts); c.1183+52G>T (NM_001348332.1); c.1270+52G>T (NM_001284214.2, NM_001348319.1, NM_001348333.1 and 11 more transcripts).
Identifiers: ClinVar variation 4851717 (VCV004851717.1).

ClinVar aggregate classification (germline): Uncertain significance (1 of 4 stars; one submission).

Submission:

Greenwood Genetic Center Diagnostic Laboratories, Greenwood Genetic Center
Classification: Uncertain significance. Last evaluated: 2025-02-27. Review status: criteria provided, single submitter. Criteria: ACMG Guidelines, 2015. Collection method: clinical testing. Allele origin: germline.
Comment: PM2, BP4